The following is an entry in ClinVar:

NM_004341.5(CAD):c.5394G>T (p.Gln1798His)

Gene: CAD (carbamoyl-phosphate synthetase 2, aspartate transcarbamylase, and dihydroorotase; plus strand). Cytogenetic location: 2p23.3.
Variant type: single nucleotide variant.
Coding change: c.5394G>T on transcript NM_004341.5 (MANE Select); coding-DNA position 5394, G replaced by T.
Protein change: p.Gln1798His; replaces glutamine 1798 with histidine.
Molecular consequence: missense variant.
Genome position (GRCh38, 1-based): chr2:27,239,471, G>T. VCF-style: chr2-27239471-G-T. GRCh37 (hg19) VCF-style: chr2-27462339-G-T.
Other names: c.5205G>T, p.Gln1735His (NM_001306079.2); short protein forms Q1735H, Q1798H.
Identifiers: ClinVar variation 2097720 (VCV002097720.5), dbSNP rs2465354556, ClinGen allele CA346222754.

ClinVar aggregate classification (germline): Uncertain significance. Review status: criteria provided, multiple submitters, no conflicts (2 of 4 stars). 2 submissions from 2 submitters: Uncertain significance (2). Last evaluated 2025-11-13.

Allele frequency attached by ClinVar (database versions not stated): gnomAD exomes below 0.00001.

Submissions (2):

Women's Health and Genetics/Laboratory Corporation of America, LabCorp
Classification: Uncertain significance. Last evaluated: 2025-11-13. Review status: criteria provided, single submitter. Criteria: LabCorp Variant Classification Summary - May 2015. Collection method: clinical testing. Allele origin: germline.
Comment: Variant summary: CAD c.5394G>T (p.Gln1798His) results in a non-conservative amino acid change in the encoded protein sequence. Algorithms developed to predict the effect of missense changes on protein structure and function all suggest that this variant is likely to be disruptive. Several computational tools predict a significant impact on normal splicing: Two predict the variant abolishes a canonical 5' splicing donor site. Two predict the variant weakens a canonical 5' donor site. However, these predictions have yet to be confirmed by functional studies. The variant was absent in 250908 control chromosomes. The available data on variant occurrences in the general population are insufficient to allow any conclusion about variant significance. To our knowledge, no occurrence of c.5394G>T in individuals affected with CAD-related conditions and no experimental evidence demonstrating its impact on protein function have been reported. ClinVar contains an entry for this variant (Variation ID: 2097720). Based on the evidence outlined above, the variant was classified as uncertain significance.

Labcorp Genetics (formerly Invitae), Labcorp
Classification: Uncertain significance. Last evaluated: 2022-07-19. Review status: criteria provided, single submitter. Criteria: Invitae Variant Classification Sherloc (09022015). Collection method: clinical testing. Allele origin: germline.
Comment: In summary, the available evidence is currently insufficient to determine the role of this variant in disease. Therefore, it has been classified as a Variant of Uncertain Significance. Variants that disrupt the consensus splice site are a relatively common cause of aberrant splicing (PMID: 17576681, 9536098). Algorithms developed to predict the effect of sequence changes on RNA splicing suggest that this variant may disrupt the consensus splice site. Algorithms developed to predict the effect of missense changes on protein structure and function are either unavailable or do not agree on the potential impact of this missense change (SIFT: "Deleterious"; PolyPhen-2: "Possibly Damaging"; Align-GVGD: "Class C0"). This variant has not been reported in the literature in individuals affected with CAD-related conditions. This variant is not present in population databases (gnomAD no frequency). This sequence change replaces glutamine, which is neutral and polar, with histidine, which is basic and polar, at codon 1798 of the CAD protein (p.Gln1798His). This variant also falls at the last nucleotide of exon 33, which is part of the consensus splice site for this exon.

Literature cited by the submitters: PubMed 17576681 (cited by Labcorp Genetics (formerly Invitae), Labcorp); PubMed 9536098 (cited by Labcorp Genetics (formerly Invitae), Labcorp).